The following is an entry in ClinVar:

ClinVar aggregate classification (germline): Pathogenic (1 of 4 stars; one submission).

Submission:

Labcorp Genetics (formerly Invitae), Labcorp
Classification: Pathogenic. Last evaluated: 2021-09-16. Review status: criteria provided, single submitter. Criteria: Invitae Variant Classification Sherloc (09022015). Collection method: clinical testing. Allele origin: germline.
Comment: This sequence change disrupts the translational stop signal of the RHO mRNA. It is expected to extend the length of the RHO protein by 51 additional amino acid residues. For these reasons, this variant has been classified as Pathogenic. This variant results in an extension of the RHO protein. Other variant(s) that result in a similarly extended protein product (p.*349Glnext*51) have been determined to be pathogenic (PMID: 16799052, 31960602; Invitae). This suggests that these extensions are likely to be disease-causing. Experimental studies have shown that this protein extension affects RHO function (PMID: 23940033). Algorithms developed to predict the effect of variants on protein structure and function are not available or were not evaluated for this variant. This protein extension has been observed in individual(s) with autosomal dominant retinitis pigmentosa (PMID: 10189219). It has also been observed to segregate with disease in related individuals. This variant is not present in population databases (ExAC no frequency).

Literature cited by the submitters: PubMed 16799052; PubMed 31960602; PubMed 23940033; PubMed 10189219.

NM_000539.3(RHO):c.1045T>G (p.Ter349Glu)

Gene: RHO (rhodopsin; plus strand). Cytogenetic location: 3q22.1.
Variant type: single nucleotide variant.
Coding change: c.1045T>G on transcript NM_000539.3 (MANE Select); coding-DNA position 1045, T replaced by G.
Protein change: p.Ter349Glu.
Molecular consequence: stop lost.
Genome position (GRCh38, 1-based): chr3:129,533,716, T>G. VCF-style: chr3-129533716-T-G. GRCh37 (hg19) VCF-style: chr3-129252559-T-G.
Identifiers: ClinVar variation 1357409 (VCV001357409.6), dbSNP rs2084801700, ClinGen allele CA354471288.